The following is an entry in ClinVar:

ClinVar aggregate classification (germline): Likely benign (0 of 4 stars; one submission).

Conditions:
ZC3H4-related disorder. Also called: ZC3H4-related condition.

Allele frequency attached by ClinVar (database versions not stated): 1000 Genomes Project 0.00100; 1000 Genomes Project 30x 0.00125; TOPMed 0.00210; gnomAD 0.00243; ExAC 0.00255; ESP Exome Variant Server 0.00286; gnomAD exomes 0.00373.
gnomAD v4.1: 5,716 of 1,606,254 alleles (0.36%); highest among the groups gnomAD compares: Non-Finnish European, 0.44%; 15 homozygotes.

Submission:

PreventionGenetics, part of Exact Sciences
Classification: Likely benign for ZC3H4-related condition. Last evaluated: 2020-01-06. Review status: no assertion criteria provided. Collection method: clinical testing. Allele origin: germline.
Comment: This variant is classified as likely benign based on ACMG/AMP sequence variant interpretation guidelines (Richards et al. 2015 PMID: 25741868, with internal and published modifications).

NM_015168.2(ZC3H4):c.2664C>T (p.Ser888=)

Gene: ZC3H4 (zinc finger CCCH-type containing 4; minus strand). Cytogenetic location: 19q13.32.
Variant type: single nucleotide variant.
Coding change: c.2664C>T on transcript NM_015168.2 (MANE Select); coding-DNA position 2664, C replaced by T.
Protein change: p.Ser888=; no amino-acid change (serine 888 retained).
Molecular consequence: synonymous variant.
Genome position (GRCh38, 1-based): chr19:47,067,604, G>A on the plus strand (C>T on the coding strand, the complement: ZC3H4 is on the minus strand). VCF-style: chr19-47067604-G-A. GRCh37 (hg19) VCF-style: chr19-47570861-G-A.
Identifiers: ClinVar variation 3033487 (VCV003033487.2), dbSNP rs201437060, ClinGen allele CA9534826.